The following is an entry in ClinVar:

ClinVar aggregate classification (germline): Uncertain significance. Review status: criteria provided, multiple submitters, no conflicts (2 of 4 stars). 2 submissions from 2 submitters: Uncertain significance (2). Last evaluated 2025-09-28.

Conditions:
Cardiovascular phenotype. Identifiers: MedGen CN230736.

Allele frequency attached by ClinVar (database versions not stated): gnomAD 0.00001; gnomAD exomes 0.00001; TOPMed 0.00001.
gnomAD v4.1: 15 of 1,550,248 alleles (0.00097%); highest among the groups gnomAD compares: Admixed American, 0.002%; no homozygotes.

Submissions (2):

Mayo Clinic Laboratories, Mayo Clinic
Classification: Uncertain significance. Last evaluated: 2025-09-28. Review status: criteria provided, single submitter. Criteria: ACMG Guidelines, 2015. Collection method: clinical testing. Allele origin: germline. Observed: 1 variant allele.
Comment: BP4_moderate

Ambry Genetics
Classification: Uncertain significance for Cardiovascular phenotype. Last evaluated: 2023-01-17. Review status: criteria provided, single submitter. Criteria: Ambry Variant Classification Scheme 2023. Collection method: clinical testing. Allele origin: germline.

NM_001367624.2(ZNF469):c.7720C>T (p.His2574Tyr)

Gene: ZNF469 (zinc finger protein 469; plus strand). Cytogenetic location: 16q24.2.
Variant type: single nucleotide variant.
Coding change: c.7720C>T on transcript NM_001367624.2 (MANE Select); coding-DNA position 7720, C replaced by T.
Protein change: p.His2574Tyr; replaces histidine 2574 with tyrosine.
Molecular consequence: missense variant.
Genome position (GRCh38, 1-based): chr16:88,435,190, C>T. VCF-style: chr16-88435190-C-T. GRCh37 (hg19) VCF-style: chr16-88501598-C-T.
Other names: p.His2574Tyr; short protein forms H2574Y.
Identifiers: ClinVar variation 320976 (VCV000320976.8), dbSNP rs886052410, ClinGen allele CA10644493.